The following is an entry in ClinVar:

NM_005751.5(AKAP9):c.4682T>G (p.Val1561Gly)

Gene: AKAP9 (A-kinase anchoring protein 9; plus strand). Cytogenetic location: 7q21.2.
Variant type: single nucleotide variant.
Coding change: c.4682T>G on transcript NM_005751.5 (MANE Select); coding-DNA position 4682, T replaced by G.
Protein change: p.Val1561Gly; replaces valine 1561 with glycine.
Molecular consequence: missense variant.
Genome position (GRCh38, 1-based): chr7:92,038,762, T>G. VCF-style: chr7-92038762-T-G. GRCh37 (hg19) VCF-style: chr7-91668076-T-G.
Other names: c.4682T>G, p.Val1561Gly (NM_147185.3); short protein forms V1561G.
Identifiers: ClinVar variation 3772526 (VCV003772526.13).

ClinVar aggregate classification (germline): Uncertain significance (1 of 4 stars; one submission).

Submission:

CeGaT Center for Human Genetics Tuebingen
Classification: Uncertain significance. Last evaluated: 2025-02-01. Review status: criteria provided, single submitter. Criteria: CeGaT Center For Human Genetics Tuebingen Variant Classification Criteria Version 2. Collection method: clinical testing. Allele origin: germline. Affected: yes. Observed: 1 variant allele.
Comment: AKAP9: PM2, BP4